The following is an entry in ClinVar:

NM_130839.5(UBE3A):c.1754-2A>C

Genes: SNHG14 (small nucleolar RNA host gene 14; plus strand), UBE3A (ubiquitin protein ligase E3A; minus strand). Cytogenetic location: 15q11.2.
Variant type: single nucleotide variant.
Coding change: c.1754-2A>C on transcript NM_130839.5 (MANE Select); the canonical splice acceptor site of the intron before coding-DNA position 1754, A replaced by C.
Molecular consequence: splice acceptor variant.
Genome position (GRCh38, 1-based): chr15:25,356,898, T>G on the plus strand (A>C on the coding strand, the complement: UBE3A is on the minus strand). VCF-style: chr15-25356898-T-G. GRCh37 (hg19) VCF-style: chr15-25602045-T-G.
Other names: c.1577-2A>C (NM_001354546.2); c.443-2A>C (NM_001354551.2); c.1694-2A>C (NM_001354549.2, NM_001354548.2, NM_130838.4 and 17 more transcripts); c.503-2A>C (NM_001354550.2); c.1754-2A>C (NM_001354545.2, NM_001354538.2, NM_001354505.1); c.1763-2A>C (NM_000462.5).
Identifiers: ClinVar variation 489356 (VCV000489356.2), dbSNP rs587780579, ClinGen allele CA391352840.

ClinVar aggregate classification (germline): Pathogenic (1 of 4 stars; one submission).

Submission:

GeneDx
Classification: Pathogenic. Last evaluated: 2018-01-18. Review status: criteria provided, single submitter. Criteria: GeneDx Variant Classification (06012015). Collection method: clinical testing. Allele origin: germline. Affected: yes.
Comment: The c.1694-2 A>C variant has not been published as a pathogenic variant, nor has it been reported as a benign variant to our knowledge. The c.1694-2 A>C splice site variant in the UBE3A gene destroys the canonical splice acceptor site in intron 4. It is predicted to cause abnormal gene splicing, either leading to an abnormal message that is subject to nonsense-mediated mRNA decay, or to an abnormal protein product if the message is used for protein translation. The c.1694-2 A>C variant is not observed in large population cohorts (Lek et al., 2016). Therefore, this variant is pathogenic.